The following is an entry in ClinVar:

NM_002386.4(MC1R):c.359T>C (p.Ile120Thr)

Gene: MC1R (melanocortin 1 receptor; plus strand). Cytogenetic location: 16q24.3.
Variant type: single nucleotide variant.
Coding change: c.359T>C on transcript NM_002386.4 (MANE Select); coding-DNA position 359, T replaced by C.
Protein change: p.Ile120Thr; replaces isoleucine 120 with threonine.
Molecular consequence: missense variant.
Genome position (GRCh38, 1-based): chr16:89,919,617, T>C. VCF-style: chr16-89919617-T-C. GRCh37 (hg19) VCF-style: chr16-89986025-T-C.
Other names: short protein forms I120T.
Identifiers: ClinVar variation 225411 (VCV000225411.19), dbSNP rs33932559, ClinGen allele CA8255570.

ClinVar aggregate classification (germline): Conflicting classifications of pathogenicity. Review status: criteria provided, conflicting classifications (1 of 4 stars). 6 submissions from 6 submitters: Uncertain significance (1); Benign (1); Likely benign (4). Last evaluated 2026-01-28.

Conditions:
Melanoma, cutaneous malignant, susceptibility to, 5. Also called: Cutaneous malignant melanoma 5. Identifiers: Orphanet 618, MedGen C2751295, MONDO:0013133, OMIM 613099.

Allele frequency attached by ClinVar (database versions not stated): 1000 Genomes Project 30x 0.00734; 1000 Genomes Project 0.00839; gnomAD 0.00153 and 0.00103; TOPMed 0.00220; gnomAD exomes 0.00314 and 0.00114; ExAC 0.00329; ESP Exome Variant Server 0.00015.

Submissions (6):

Labcorp Genetics (formerly Invitae), Labcorp
Classification: Benign for Melanoma, cutaneous malignant, susceptibility to, 5. Last evaluated: 2026-01-28. Review status: criteria provided, single submitter. Criteria: Invitae Variant Classification Sherloc (09022015). Collection method: clinical testing. Allele origin: germline.

Mayo Clinic Laboratories, Mayo Clinic
Classification: Likely benign. Last evaluated: 2025-08-26. Review status: criteria provided, single submitter. Criteria: ACMG Guidelines, 2015. Collection method: clinical testing. Allele origin: germline. Observed: 1 variant allele.

ARUP Laboratories, Molecular Genetics and Genomics, ARUP Laboratories
Classification: Likely benign. Last evaluated: 2025-06-26. Review status: criteria provided, single submitter. Criteria: ARUP Molecular Germline Variant Investigation Process 2024. Collection method: clinical testing. Allele origin: germline.

Illumina Laboratory Services, Illumina
Classification: Likely benign for Melanoma, cutaneous malignant, susceptibility to, 5. Last evaluated: 2017-04-27. Review status: criteria provided, single submitter. Criteria: ICSL Variant Classification Criteria 13 December 2019. Collection method: clinical testing. Allele origin: germline.
Comment: This variant was observed as part of a predisposition screen in an ostensibly healthy population. A literature search was performed for the gene, cDNA change, and amino acid change (where applicable). Publications were found based on this search. The evidence from the literature, in combination with allele frequency data from public databases where available, was sufficient to determine this variant is unlikely to cause disease. Therefore, this variant is classified as likely benign.

Soonchunhyang University Bucheon Hospital, Soonchunhyang University Medical Center
Classification: Uncertain significance for Melanoma, cutaneous malignant, susceptibility to, 5. Last evaluated: 2016-03-18. Review status: criteria provided, single submitter. Criteria: ACMG Guidelines, 2015. Collection method: reference population. Allele origin: germline. Observed: 7 variant alleles.

PreventionGenetics, part of Exact Sciences
Classification: Likely benign. Review status: criteria provided, single submitter. Criteria: ACMG Guidelines, 2015. Collection method: clinical testing. Allele origin: germline.

Literature cited by the submitters: PubMed 14961558 (cited by Illumina Laboratory Services, Illumina); PubMed 21672182 (cited by Illumina Laboratory Services, Illumina and Soonchunhyang University Bucheon Hospital, Soonchunhyang University Medical Center); PubMed 15221796 (cited by Illumina Laboratory Services, Illumina); PubMed 18067130 (cited by Illumina Laboratory Services, Illumina).